The following is an entry in ClinVar:

ClinVar aggregate classification (germline): Uncertain significance (1 of 4 stars; one submission).

Conditions:
Capillary malformation-arteriovenous malformation syndrome. Also called: Capillary malformation-arteriovenous malformation. Identifiers: Orphanet 137667, MedGen C1842180, MONDO:0012016.

gnomAD v4.1: 16 of 1,611,764 alleles (0.00099%); highest among the groups gnomAD compares: East Asian, 0.0045%; no homozygotes.

Submission:

Labcorp Genetics (formerly Invitae), Labcorp
Classification: Uncertain significance for Capillary malformation-arteriovenous malformation syndrome. Last evaluated: 2025-10-07. Review status: criteria provided, single submitter. Criteria: Invitae Variant Classification Sherloc (09022015). Collection method: clinical testing. Allele origin: germline.
Comment: This sequence change replaces valine, which is neutral and non-polar, with isoleucine, which is neutral and non-polar, at codon 371 of the RASA1 protein (p.Val371Ile). This variant is present in population databases (rs779676560, gnomAD 0.01%). This variant has not been reported in the literature in individuals affected with RASA1-related conditions. An algorithm developed to predict the effect of missense changes on protein structure and function (PolyPhen-2) suggests that this variant is likely to be tolerated. In summary, the available evidence is currently insufficient to determine the role of this variant in disease. Therefore, it has been classified as a Variant of Uncertain Significance.

NM_002890.3(RASA1):c.1111G>A (p.Val371Ile)

Genes: CCNH (cyclin H; minus strand), RASA1 (RAS p21 protein activator 1; plus strand). Cytogenetic location: 5q14.3.
Variant type: single nucleotide variant.
Coding change: c.1111G>A on transcript NM_002890.3 (MANE Select); coding-DNA position 1111, G replaced by A.
Protein change: p.Val371Ile; replaces valine 371 with isoleucine.
Molecular consequence: missense variant. On other transcripts: intron variant (1).
Genome position (GRCh38, 1-based): chr5:87,349,222, G>A. VCF-style: chr5-87349222-G-A. GRCh37 (hg19) VCF-style: chr5-86645039-G-A.
Other names: c.580G>A, p.Val194Ile (NM_022650.3); c.934-36427C>T (NM_001364075.2); short protein forms V194I, V371I.
Identifiers: ClinVar variation 4743374 (VCV004743374.1).